The following is an entry in ClinVar:

ClinVar aggregate classification (germline): Uncertain significance (1 of 4 stars; one submission).

Submission:

GeneDx
Classification: Uncertain significance. Last evaluated: 2024-02-26. Review status: criteria provided, single submitter. Criteria: GeneDx Variant Classification Process June 2021. Collection method: clinical testing. Allele origin: germline. Affected: yes.
Comment: Not observed at significant frequency in large population cohorts (gnomAD); In silico analysis supports that this missense variant does not alter protein structure/function; Has not been previously published as pathogenic or benign to our knowledge

NM_005121.3(MED13):c.5226A>T (p.Leu1742Phe)

Gene: MED13 (mediator complex subunit 13; minus strand). Cytogenetic location: 17q23.2.
Variant type: single nucleotide variant.
Coding change: c.5226A>T on transcript NM_005121.3 (MANE Select); coding-DNA position 5226, A replaced by T.
Protein change: p.Leu1742Phe; replaces leucine 1742 with phenylalanine.
Molecular consequence: missense variant.
Genome position (GRCh38, 1-based): chr17:61,961,618, T>A on the plus strand (A>T on the coding strand, the complement: MED13 is on the minus strand). VCF-style: chr17-61961618-T-A. GRCh37 (hg19) VCF-style: chr17-60038979-T-A.
Other names: short protein forms L1742F.
Identifiers: ClinVar variation 3369651 (VCV003369651.1).